The following is an entry in ClinVar:

NM_022168.4(IFIH1):c.2899G>C (p.Ala967Pro)

Gene: IFIH1 (interferon induced with helicase C domain 1; minus strand). Cytogenetic location: 2q24.2.
Variant type: single nucleotide variant.
Coding change: c.2899G>C on transcript NM_022168.4 (MANE Select); coding-DNA position 2899, G replaced by C.
Protein change: p.Ala967Pro; replaces alanine 967 with proline.
Molecular consequence: missense variant.
Genome position (GRCh38, 1-based): chr2:162,267,379, C>G on the plus strand (G>C on the coding strand, the complement: IFIH1 is on the minus strand). VCF-style: chr2-162267379-C-G. GRCh37 (hg19) VCF-style: chr2-163123889-C-G.
Other names: short protein forms A967P.
Identifiers: ClinVar variation 2923099 (VCV002923099.3), dbSNP rs749488690, ClinGen allele CA348989509.

ClinVar aggregate classification (germline): Uncertain significance (1 of 4 stars; one submission).

Conditions:
Singleton-Merten syndrome 1 (SGMRT1). Also called: Syndrome of widened medullary cavities of the metacarpals and phalanges, aortic calcification and abnormal dentition; Widened medullary cavities of bone, aortic calcification, abnormal dentition, and muscular weakness. Identifiers: Orphanet 85191, MedGen C4225427, MONDO:0024535, OMIM 182250.
Aicardi-Goutieres syndrome 7 (AGS7). Identifiers: Orphanet 51, MedGen C3888244, MONDO:0014367, OMIM 615846.

Allele frequency attached by ClinVar (database versions not stated): gnomAD 0.00001.
gnomAD v4.1: 23 of 1,613,700 alleles (0.0014%); highest among the groups gnomAD compares: Non-Finnish European, 0.0019%; no homozygotes.

Submission:

Labcorp Genetics (formerly Invitae), Labcorp
Classification: Uncertain significance for Aicardi-Goutieres syndrome 7; Singleton-Merten syndrome 1. Last evaluated: 2024-03-03. Review status: criteria provided, single submitter. Criteria: Invitae Variant Classification Sherloc (09022015). Collection method: clinical testing. Allele origin: germline.
Comment: This sequence change replaces alanine, which is neutral and non-polar, with proline, which is neutral and non-polar, at codon 967 of the IFIH1 protein (p.Ala967Pro). This variant is present in population databases (no rsID available, gnomAD 0.003%). This variant has not been reported in the literature in individuals affected with IFIH1-related conditions. An algorithm developed to predict the effect of missense changes on protein structure and function (PolyPhen-2) suggests that this variant is likely to be tolerated. Algorithms developed to predict the effect of sequence changes on RNA splicing suggest that this variant may disrupt the consensus splice site. In summary, the available evidence is currently insufficient to determine the role of this variant in disease. Therefore, it has been classified as a Variant of Uncertain Significance.